The following is an entry in ClinVar:

NM_000901.5(NR3C2):c.1791A>G (p.Ser597=)

Gene: NR3C2 (nuclear receptor subfamily 3 group C member 2; minus strand). Cytogenetic location: 4q31.23.
Variant type: single nucleotide variant.
Coding change: c.1791A>G on transcript NM_000901.5 (MANE Select); coding-DNA position 1791, A replaced by G.
Protein change: p.Ser597=; no amino-acid change (serine 597 retained).
Molecular consequence: synonymous variant. On other transcripts: non-coding transcript variant (1).
Genome position (GRCh38, 1-based): chr4:148,260,084, T>C on the plus strand (A>G on the coding strand, the complement: NR3C2 is on the minus strand). VCF-style: chr4-148260084-T-C. GRCh37 (hg19) VCF-style: chr4-149181236-T-C.
Other names: c.1791A>G, p.Ser597= (NM_001166104.2, NM_001354819.1).
Identifiers: ClinVar variation 347726 (VCV000347726.15), dbSNP rs34905604, ClinGen allele CA3100227.
Genomic context (GRCh38, chr4:148,260,084, plus strand): 5'-TACCCCATAATGGCATCCTGAAGCCTCATCCCCACACACCAAACATATTTTTGAAGGTCT[T>C]GAAGATCCAGTAGAAACACTTCGTAAAGTAGAGCTGGGGAAAGAAATTGAGATTTAAATA-3'
Protein context (NP_000892.2, residues 587-607): STLRSVSTGS[Ser597=]RPSKICLVCG

ClinVar aggregate classification (germline): Benign/Likely benign. Review status: criteria provided, multiple submitters, no conflicts (2 of 4 stars). 5 submissions from 5 submitters: Benign (4); Likely benign (1). Last evaluated 2026-02-01.

Conditions:
NR3C2-related disorder. Also called: NR3C2-related disorders; NR3C2-related condition.
Pseudohyperaldosteronism type 2. Identifiers: Orphanet 88660, MedGen C1854631, MONDO:0011517, OMIM 605115.
Autosomal dominant pseudohypoaldosteronism type 1. Also called: Pseudohypoaldosteronism, Type I, Autosomal Dominant; PHA I, AUTOSOMAL DOMINANT; Pseudohypoaldosteronism, Type I, Dominant. Identifiers: Orphanet 171871, Orphanet 756, MedGen C1449842, MONDO:0008329, OMIM 177735.

Allele frequency attached by ClinVar (database versions not stated): gnomAD 0.00346 and 0.00366; ESP Exome Variant Server 0.00361; TOPMed 0.00392; 1000 Genomes Project 0.00499; 1000 Genomes Project 30x 0.00531; gnomAD exomes 0.00032 and 0.00093; ExAC 0.00102.
gnomAD v4.1: 1,013 of 1,614,100 alleles (0.063%); highest among the groups gnomAD compares: African/African-American, 1.2%; 3 homozygotes.

Submissions (5):

Labcorp Genetics (formerly Invitae), Labcorp
Classification: Benign. Last evaluated: 2026-02-01. Review status: criteria provided, single submitter. Criteria: Invitae Variant Classification Sherloc (09022015). Collection method: clinical testing. Allele origin: germline.

PreventionGenetics, part of Exact Sciences
Classification: Benign for NR3C2-related condition. Last evaluated: 2025-10-20. Review status: criteria provided, single submitter. Criteria: ACMG Guidelines, 2015. Collection method: clinical testing. Allele origin: germline.
Comment: This variant is classified as benign based on ACMG/AMP sequence variant interpretation guidelines (Richards et al. 2015 PMID: 25741868, with internal and published modifications).

Blueprint Genetics
Classification: Likely benign. Last evaluated: 2024-08-28. Review status: criteria provided, single submitter. Criteria: ACMG Guidelines, 2015. Collection method: clinical testing. Allele origin: germline.

Fulgent Genetics
Classification: Benign for Autosomal dominant pseudohypoaldosteronism type 1; Pseudohyperaldosteronism type 2. Last evaluated: 2021-08-02. Review status: criteria provided, single submitter. Criteria: ACMG Guidelines, 2015. Collection method: clinical testing. Allele origin: unknown.

Illumina Laboratory Services, Illumina
Classification: Benign for Autosomal dominant pseudohypoaldosteronism type 1. Last evaluated: 2018-01-12. Review status: criteria provided, single submitter. Criteria: ICSL Variant Classification Criteria 13 December 2019. Collection method: clinical testing. Allele origin: germline.
Comment: This variant was observed in the ICSL laboratory as part of a predisposition screen in an ostensibly healthy population. It had not been previously curated by ICSL or reported in the Human Gene Mutation Database (HGMD: prior to June 1st, 2018), and was therefore a candidate for classification through an automated scoring system. Utilizing variant allele frequency, disease prevalence and penetrance estimates, and inheritance mode, an automated score was calculated to assess if this variant is too frequent to cause the disease. Based on the score and internal cut-off values, a variant classified as benign is not then subjected to further curation. The score for this variant resulted in a classification of benign for this disease.